The following is an entry in ClinVar:

ClinVar aggregate classification (germline): Uncertain significance (1 of 4 stars; one submission).

Submission:

Labcorp Genetics (formerly Invitae), Labcorp
Classification: Uncertain significance. Last evaluated: 2023-12-03. Review status: criteria provided, single submitter. Criteria: Invitae Variant Classification Sherloc (09022015). Collection method: clinical testing. Allele origin: germline.
Comment: This sequence change replaces glutamic acid, which is acidic and polar, with glycine, which is neutral and non-polar, at codon 902 of the ABL1 protein (p.Glu902Gly). This variant is not present in population databases (gnomAD no frequency). This variant has not been reported in the literature in individuals affected with ABL1-related conditions. Advanced modeling of protein sequence and biophysical properties (such as structural, functional, and spatial information, amino acid conservation, physicochemical variation, residue mobility, and thermodynamic stability) performed at Invitae indicates that this missense variant is not expected to disrupt ABL1 protein function with a negative predictive value of 95%. In summary, the available evidence is currently insufficient to determine the role of this variant in disease. Therefore, it has been classified as a Variant of Uncertain Significance.

NM_005157.6(ABL1):c.2648A>G (p.Glu883Gly)

Gene: ABL1 (ABL proto-oncogene 1, non-receptor tyrosine kinase; plus strand). Cytogenetic location: 9q34.12.
Variant type: single nucleotide variant.
Coding change: c.2648A>G on transcript NM_005157.6 (MANE Select); coding-DNA position 2648, A replaced by G.
Protein change: p.Glu883Gly; replaces glutamic acid 883 with glycine.
Molecular consequence: missense variant.
Genome position (GRCh38, 1-based): chr9:130,884,938, A>G. VCF-style: chr9-130884938-A-G. GRCh37 (hg19) VCF-style: chr9-133760325-A-G.
Other names: c.2705A>G, p.Glu902Gly (NM_007313.3); short protein forms E883G, E902G.
Identifiers: ClinVar variation 2700727 (VCV002700727.3), dbSNP rs2133038071, ClinGen allele CA375257809.